The following is an entry in ClinVar:

NM_001267550.2(TTN):c.11190C>G (p.Tyr3730Ter)

Gene: TTN (titin; minus strand). Cytogenetic location: 2q31.2.
Variant type: single nucleotide variant.
Coding change: c.11190C>G on transcript NM_001267550.2 (MANE Select); coding-DNA position 11190, C replaced by G.
Protein change: p.Tyr3730Ter; replaces tyrosine 3730 with a stop codon.
Molecular consequence: nonsense. On other transcripts: intron variant (5).
Genome position (GRCh38, 1-based): chr2:178,756,286, G>C on the plus strand (C>G on the coding strand, the complement: TTN is on the minus strand). VCF-style: chr2-178756286-G-C. GRCh37 (hg19) VCF-style: chr2-179621013-G-C.
Other names: c.10677C>G, p.Tyr3559Ter (NM_133437.4); c.10165+2698C>G (NM_003319.4); c.10540+1256C>G (NM_133432.3); c.10303+2698C>G (NM_133378.4, NM_001256850.1, NM_133379.5); short protein forms Y3559*, Y3730*.
Identifiers: ClinVar variation 4532325 (VCV004532325.1).

ClinVar aggregate classification (germline): Uncertain significance (1 of 4 stars; one submission).

gnomAD v4.1: 1 of 1,613,864 alleles (0.000062%); highest among the groups gnomAD compares: Non-Finnish European, 0.000085%; no homozygotes.

Submission:

GeneDx
Classification: Uncertain significance. Last evaluated: 2025-06-01. Review status: criteria provided, single submitter. Criteria: GeneDx Variant Classification Process June 2021. Collection method: clinical testing. Allele origin: germline. Affected: yes.
Comment: Nonsense variant predicted to result in protein truncation or nonsense mediated decay in a region of a gene for which loss of function is not a well-established mechanism of disease; Not observed at significant frequency in large population cohorts (gnomAD); Has not been previously published as pathogenic or benign to our knowledge